The following is an entry in ClinVar:

NM_001943.5(DSG2):c.2317A>G (p.Arg773Gly)

Genes: DSG2 (desmoglein 2; plus strand), DSG2-AS1 (DSG2 antisense RNA 1; minus strand). Cytogenetic location: 18q12.1.
Variant type: single nucleotide variant.
Coding change: c.2317A>G on transcript NM_001943.5 (MANE Select); coding-DNA position 2317, A replaced by G.
Protein change: p.Arg773Gly; replaces arginine 773 with glycine.
Molecular consequence: missense variant.
Genome position (GRCh38, 1-based): chr18:31,542,835, A>G. VCF-style: chr18-31542835-A-G. GRCh37 (hg19) VCF-style: chr18-29122798-A-G.
Other names: short protein forms R773G.
Identifiers: ClinVar variation 4015023 (VCV004015023.1).

ClinVar aggregate classification (germline): Uncertain significance (1 of 4 stars; one submission).

Conditions:
Cardiovascular phenotype. Identifiers: MedGen CN230736.

Submission:

Ambry Genetics
Classification: Uncertain significance for Cardiovascular phenotype. Last evaluated: 2025-05-27. Review status: criteria provided, single submitter. Criteria: Ambry Variant Classification Scheme 2023. Collection method: clinical testing. Allele origin: germline.
Comment: The p.R773G variant (also known as c.2317A>G), located in coding exon 14 of the DSG2 gene, results from an A to G substitution at nucleotide position 2317. The arginine at codon 773 is replaced by glycine, an amino acid with dissimilar properties. This amino acid position is conserved. In addition, this alteration is predicted to be tolerated by in silico analysis. Based on the available evidence, the clinical significance of this variant remains unclear.